The following is an entry in ClinVar:

ClinVar aggregate classification (germline): Pathogenic/Likely pathogenic. Review status: criteria provided, multiple submitters, no conflicts (2 of 4 stars). 2 submissions from 2 submitters: Pathogenic (1); Likely pathogenic (1). Last evaluated 2025-03-25.

Conditions:
Hypervalinemia and hyperleucine-isoleucinemia (HVLI). Also called: BRANCHED-CHAIN AMINOTRANSFERASE DEFICIENCY; Hypervalinemia or hyperleucine-isoleucinemia. Identifiers: MedGen C5394277, MONDO:0100058, OMIM 618850.

Submissions (2):

Variantyx, Inc.
Classification: Likely pathogenic for Hypervalinemia and hyperleucine-isoleucinemia. Last evaluated: 2025-03-25. Review status: criteria provided, single submitter. Criteria: Variantyx Assertion Criteria 2022. Collection method: clinical testing. Allele origin: germline.
Comment: This is a frameshift variant in the BCAT2 gene (OMIM: 113530). Pathogenic variants in this gene have been associated with autosomal recessive hypervalinemia and hyperleucine-isoleucinemia. This variant introduces a premature termination codon in exon 8 out of 11. It is expected to result in loss of function, which is a known disease mechanism for BCAT2 in this disorder (PMID: 30626930, 31177572) (PVS1). This variant has a 0.0046% maximum allele frequency in non-founder control populations (PM2_Supporting). Based on the current evidence, this variant is classified as likely pathogenic for autosomal recessive Hypervalinemia and hyperleucine-isoleucinemia.

Labcorp Genetics (formerly Invitae), Labcorp
Classification: Pathogenic. Last evaluated: 2024-11-15. Review status: criteria provided, single submitter. Criteria: Invitae Variant Classification Sherloc (09022015). Collection method: clinical testing. Allele origin: germline.
Comment: This sequence change creates a premature translational stop signal (p.Leu301Thrfs*9) in the BCAT2 gene. It is expected to result in an absent or disrupted protein product. Loss-of-function variants in BCAT2 are known to be pathogenic (PMID: 30626930, 31177572). This variant is present in population databases (rs755640785, gnomAD 0.009%). This variant has not been reported in the literature in individuals affected with BCAT2-related conditions. For these reasons, this variant has been classified as Pathogenic.

Literature cited by the submitters: PubMed 30626930 (cited by Labcorp Genetics (formerly Invitae), Labcorp); PubMed 31177572 (cited by Labcorp Genetics (formerly Invitae), Labcorp).

NM_001190.4(BCAT2):c.898_899del (p.Leu301fs)

Gene: BCAT2 (branched chain amino acid transaminase 2; minus strand). Cytogenetic location: 19q13.33.
Variant type: Microsatellite.
Coding change: c.898_899del on transcript NM_001190.4 (MANE Select); coding-DNA positions 898 to 899, 2 bases deleted (AG; older notation c.898_899delAG).
Protein change: p.Leu301fs; shifts the reading frame from leucine 301.
Molecular consequence: frameshift variant.
Genome position (GRCh38, 1-based): chr19:48,796,962-48,796,963, CT deleted on the plus strand (AG on the coding strand, the reverse complement: BCAT2 is on the minus strand); deleting any 2 consecutive bases within chr19:48,796,962-48,796,965 gives the same sequence; the c. name uses the placement nearest the transcript's 3' end. VCF-style (leftmost placement, unchanged base first): chr19-48796961-ACT-A. GRCh37 (hg19) VCF-style: chr19-49300218-ACT-A.
Other names: c.622_623del, p.Leu209fs (NM_001164773.2); c.778_779del, p.Leu261fs (NM_001284325.2); short protein forms L209fs, L301fs, L261fs.
Identifiers: ClinVar variation 2898513 (VCV002898513.4), dbSNP rs755640785, ClinGen allele CA9558271.
Genomic context (GRCh38, chr19:48,796,961, plus strand): 5'-CATGGCGCCCATCACCAGAAGATGCCATGTCCTCACCCAGGTCTGAGCCATGTCCAGTAG[ACT>A]CTGTCTGACCACTCCAGGCAGGATAACACCATTCAGCGGGGGCGTCACCAGCTCCAGCAC-3'